The following is an entry in ClinVar:

NM_001378454.1(ALMS1):c.3305A>G (p.Lys1102Arg)

Gene: ALMS1 (ALMS1 centrosome and basal body associated protein; plus strand). Cytogenetic location: 2p13.1.
Variant type: single nucleotide variant.
Coding change: c.3305A>G on transcript NM_001378454.1 (MANE Select); coding-DNA position 3305, A replaced by G.
Protein change: p.Lys1102Arg; replaces lysine 1102 with arginine.
Molecular consequence: missense variant.
Genome position (GRCh38, 1-based): chr2:73,449,832, A>G. VCF-style: chr2-73449832-A-G. GRCh37 (hg19) VCF-style: chr2-73676959-A-G.
Other names: c.3308A>G, p.Lys1103Arg (NM_015120.4); short protein forms K1102R, K1103R.
Identifiers: ClinVar variation 1730030 (VCV001730030.2), dbSNP rs185586839, ClinGen allele CA50392372.

ClinVar aggregate classification (germline): Uncertain significance (1 of 4 stars; one submission).

Conditions:
Cardiovascular phenotype. Identifiers: MedGen CN230736.

Submission:

Ambry Genetics
Classification: Uncertain significance for Cardiovascular phenotype. Last evaluated: 2022-04-15. Review status: criteria provided, single submitter. Criteria: Ambry Variant Classification Scheme 2023. Collection method: clinical testing. Allele origin: germline.
Comment: The p.K1103R variant (also known as c.3308A>G), located in coding exon 8 of the ALMS1 gene, results from an A to G substitution at nucleotide position 3308. The lysine at codon 1103 is replaced by arginine, an amino acid with highly similar properties. This amino acid position is not well conserved in available vertebrate species. In addition, this alteration is predicted to be tolerated by in silico analysis. Since supporting evidence is limited at this time, the clinical significance of this alteration remains unclear.